The following is an entry in ClinVar:

ClinVar aggregate classification (germline): Uncertain significance (1 of 4 stars; one submission).

Submission:

Labcorp Genetics (formerly Invitae), Labcorp
Classification: Uncertain significance. Last evaluated: 2022-09-05. Review status: criteria provided, single submitter. Criteria: Invitae Variant Classification Sherloc (09022015). Collection method: clinical testing. Allele origin: germline.
Comment: This sequence change replaces glycine, which is neutral and non-polar, with tryptophan, which is neutral and slightly polar, at codon 401 of the RNF31 protein (p.Gly401Trp). In summary, the available evidence is currently insufficient to determine the role of this variant in disease. Therefore, it has been classified as a Variant of Uncertain Significance. Algorithms developed to predict the effect of missense changes on protein structure and function are either unavailable or do not agree on the potential impact of this missense change (SIFT: "Deleterious"; PolyPhen-2: "Possibly Damaging"; Align-GVGD: "Class C0"). This variant has not been reported in the literature in individuals affected with RNF31-related conditions. This variant is not present in population databases (gnomAD no frequency).

NM_017999.5(RNF31):c.1201G>T (p.Gly401Trp)

Gene: RNF31 (ring finger protein 31; plus strand). Cytogenetic location: 14q12.
Variant type: single nucleotide variant.
Coding change: c.1201G>T on transcript NM_017999.5 (MANE Select); coding-DNA position 1201, G replaced by T.
Protein change: p.Gly401Trp; replaces glycine 401 with tryptophan.
Molecular consequence: missense variant.
Genome position (GRCh38, 1-based): chr14:24,150,601, G>T. VCF-style: chr14-24150601-G-T. GRCh37 (hg19) VCF-style: chr14-24619810-G-T.
Other names: c.748G>T, p.Gly250Trp (NM_001310332.2); short protein forms G250W, G401W.
Identifiers: ClinVar variation 1718859 (VCV001718859.6), dbSNP rs372245499, ClinGen allele CA389292557.